The following is an entry in ClinVar:

NM_002838.5(PTPRC):c.926A>G (p.His309Arg)

Gene: PTPRC (protein tyrosine phosphatase receptor type C; plus strand). Cytogenetic location: 1q32.1.
Variant type: single nucleotide variant.
Coding change: c.926A>G on transcript NM_002838.5 (MANE Select); coding-DNA position 926, A replaced by G.
Protein change: p.His309Arg; replaces histidine 309 with arginine.
Molecular consequence: missense variant.
Genome position (GRCh38, 1-based): chr1:198,708,154, A>G. VCF-style: chr1-198708154-A-G. GRCh37 (hg19) VCF-style: chr1-198677283-A-G.
Other names: c.443A>G, p.His148Arg (NM_080921.4); short protein forms H148R, H309R.
Identifiers: ClinVar variation 852764 (VCV000852764.7), dbSNP rs1279900525, ClinGen allele CA344034447.

ClinVar aggregate classification (germline): Uncertain significance (1 of 4 stars; one submission).

Conditions:
Immunodeficiency 104. Also called: IMMUNODEFICIENCY 104, SEVERE COMBINED; SCID, AUTOSOMAL RECESSIVE, T CELL-NEGATIVE, B CELL-POSITIVE, NK CELL-POSITIVE; Severe combined immunodeficiency, autosomal recessive, T cell-negative, B cell-positive, NK cell-positive; Severe Combined Immune Deficiency, Autosomal Recessive, TCell -Negative, B Cell-Positive, NK Cell-Positive, IL7R-Related. Identifiers: MedGen C5676890, MONDO:0012163, OMIM 608971.

Allele frequency attached by ClinVar (database versions not stated): gnomAD exomes below 0.00001.
gnomAD v4.1: 5 of 1,606,786 alleles (0.00031%); highest among the groups gnomAD compares: African/African-American, 0.0027%; no homozygotes.

Submission:

Labcorp Genetics (formerly Invitae), Labcorp
Classification: Uncertain significance for Immunodeficiency 104. Last evaluated: 2021-08-30. Review status: criteria provided, single submitter. Criteria: Invitae Variant Classification Sherloc (09022015). Collection method: clinical testing. Allele origin: germline.
Comment: This sequence change replaces histidine with arginine at codon 309 of the PTPRC protein (p.His309Arg). The histidine residue is weakly conserved and there is a small physicochemical difference between histidine and arginine. This variant is not present in population databases (ExAC no frequency). This variant has not been reported in the literature in individuals affected with PTPRC-related conditions. Algorithms developed to predict the effect of missense changes on protein structure and function output the following: SIFT: "Tolerated"; PolyPhen-2: "Benign"; Align-GVGD: "Class C0". The arginine amino acid residue is found in multiple mammalian species, which suggests that this missense change does not adversely affect protein function. In summary, the available evidence is currently insufficient to determine the role of this variant in disease. Therefore, it has been classified as a Variant of Uncertain Significance.